The following is an entry in ClinVar:

ClinVar aggregate classification (germline): Pathogenic. Review status: reviewed by expert panel (3 of 4 stars). 18 submissions from 18 submitters: Pathogenic (1). 17 of the submissions do not count toward it. Last evaluated 2013-09-05.

Conditions:
Inherited MMR deficiency (Lynch syndrome).
PMS2-related disorder. Also called: PMS2-related condition.
Hereditary nonpolyposis colon cancer (HNPCC). Also called: Familial nonpolyposis colon cancer; Hereditary nonpolyposis colorectal cancer; Hereditary Nonpolyposis Colorectal Cancer Syndrome. Identifiers: Orphanet 443909, MedGen C1333990, MONDO:0018630. Disease mechanism: loss of function.
Hereditary nonpolyposis colorectal neoplasms. Identifiers: MedGen C0009405, MeSH D003123.
Hereditary cancer-predisposing syndrome. Also called: Hereditary Cancer Syndrome; Tumor predisposition; Neoplastic Syndromes, Hereditary; Hereditary neoplastic syndrome. Identifiers: Orphanet 140162, MedGen C0027672, MeSH D009386, MONDO:0015356.
Lynch syndrome. Identifiers: Orphanet 144, MedGen C4552100, MONDO:0005835. Disease mechanism: loss of function.
Lynch syndrome 4 (LYNCH4). Also called: Hereditary non-polyposis colorectal cancer, type 4; Colorectal cancer, hereditary nonpolyposis, type 4. Identifiers: Orphanet 144, MedGen C1838333, MONDO:0013699, OMIM 614337. Disease mechanism: loss of function.

gnomAD v4.1: 11 of 1,614,190 alleles (0.00068%); highest among the groups gnomAD compares: African/African-American, 0.004%; no homozygotes.

Submissions 1 to 8 of 18:

International Society for Gastrointestinal Hereditary Tumours (InSiGHT)
Classification: Pathogenic for Lynch Syndrome. Last evaluated: 2013-09-05. Review status: reviewed by expert panel. Criteria: Guidelines v1.9. Collection method: research. Allele origin: germline.
Comment: nonsense/frameshift

Classified with v1.9 guidelines

PreventionGenetics, part of Exact Sciences
Classification: Pathogenic for PMS2-related condition. Last evaluated: 2026-04-15. Review status: criteria provided, single submitter. Criteria: ACMG Guidelines, 2015. Collection method: clinical testing. Allele origin: germline. Not counted in ClinVar's aggregate classification.
Comment: The PMS2 c.1840A>T variant is predicted to result in premature protein termination (p.Lys614*). This variant has been reported in the heterozygous state in several individuals with Lynch syndrome-associated cancers (Senter et al. 2008. PubMed ID: 18602922; Gururangan et al. 2008. PubMed ID: 17993636; Table S7, Lilyquist et al. 2017. PubMed ID: 28888541). This variant has not been reported in the gnomAD database, indicating this variant is rare. This variant is interpreted as pathogenic by multiple laboratories in ClinVar (Variation ID: 91318). Nonsense variants in the PMS2 gene are expected to be pathogenic. This variant is interpreted as pathogenic.

Genetics Laboratory, Great Ormond Street Hospital NHS Foundation Trust, North Thames Genomic Laboratory Hub
Classification: Pathogenic for Inherited MMR deficiency (Lynch syndrome). Last evaluated: 2026-01-27. Review status: criteria provided, single submitter. Criteria: CanVIG MMR Gene Specific V1.7. Collection method: clinical testing. Allele origin: germline. Affected: yes. Not counted in ClinVar's aggregate classification.
Comment: PVS1_very-strong, PM3_supporting, PP4_supporting

Labcorp Genetics (formerly Invitae), Labcorp
Classification: Pathogenic for Hereditary nonpolyposis colorectal neoplasms. Last evaluated: 2026-01-26. Review status: criteria provided, single submitter. Criteria: Invitae Variant Classification Sherloc (09022015). Collection method: clinical testing. Allele origin: germline. Not counted in ClinVar's aggregate classification.
Comment: This sequence change creates a premature translational stop signal (p.Lys614*) in the PMS2 gene. It is expected to result in an absent or disrupted protein product. Loss-of-function variants in PMS2 are known to be pathogenic (PMID: 21376568, 24362816). This variant is not present in population databases (gnomAD no frequency). This premature translational stop signal has been observed in individual(s) with constitutional mismatch repair deficiency syndrome and colorectal cancer and/or endometrial cancer (PMID: 17993636, 18602922, 21376568, 22577899, 22692065, 25856668). Invitae Evidence Modeling of clinical and family history, age, sex, and reported ancestry of multiple individuals with this PMS2 variant has been performed. This variant is expected to be pathogenic with a positive predictive value of at least 99%. This is a validated machine learning model that incorporates the clinical features of 1,627,235 individuals referred to our laboratory for PMS2 testing. ClinVar contains an entry for this variant (Variation ID: 91318). RNA analysis performed to evaluate the impact of this premature translational stop signal on mRNA splicing indicates it does not significantly alter splicing (internal data). For these reasons, this variant has been classified as Pathogenic.

NHS Central & South Genomic Laboratory Hub
Classification: Pathogenic for Inherited MMR deficiency (Lynch syndrome). Last evaluated: 2025-09-25. Review status: criteria provided, single submitter. Criteria: ACMG Guidelines, 2015. Collection method: clinical testing. Allele origin: germline. Affected: yes. Not counted in ClinVar's aggregate classification.

Ambry Genetics
Classification: Pathogenic for Hereditary cancer-predisposing syndrome. Last evaluated: 2025-06-09. Review status: criteria provided, single submitter. Criteria: Ambry Variant Classification Scheme 2023. Collection method: clinical testing. Allele origin: germline. Not counted in ClinVar's aggregate classification.
Comment: The p.K614* pathogenic mutation (also known as c.1840A>T), located in coding exon 11 of the PMS2 gene, results from an A to T substitution at nucleotide position 1840. This changes the amino acid from a lysine to a stop codon within coding exon 11. This mutation has been detected in colorectal and endometrial cancer patients whose tumors demonstrated isolated absence of PMS2 by immunohistochemistry (Senter L et al. Gastroenterology 2008 Aug;135(2):419-28). This variant is considered to be rare based on population cohorts in the Genome Aggregation Database (gnomAD). In addition to the clinical data presented in the literature, this alteration is expected to result in loss of function by premature protein truncation or nonsense-mediated mRNA decay. As such, this alteration is interpreted as a disease-causing mutation.

All of Us Research Program, National Institutes of Health
Classification: Pathogenic for Lynch syndrome. Last evaluated: 2024-07-29. Review status: criteria provided, single submitter. Criteria: ACMG Guidelines, 2015. Collection method: clinical testing. Allele origin: germline. Inheritance: Autosomal dominant inheritance. Observed: 1 variant allele, 1 heterozygote. Not counted in ClinVar's aggregate classification.
Comment: This variant changes 1 nucleotide in exon 11 of the PMS2 gene, creating a premature translation stop signal. This variant is expected to result in an absent or non-functional protein product. To our knowledge, functional studies have not been reported for this variant. This variant has been reported in individuals affected with Lynch syndrome or suspected of having Lynch syndrome (PMID: 18602922, 18809606, 25856668, 25980754). This variant has also been reported in homozygous individuals affected with constitutional mismatch repair deficiency (PMID: 17993636, 25691505). Tumor data from affected individuals has demonstrated loss of PMS2 protein via immunohistochemistry or high microsatellite instability (PMID: 17993636, 18809606). This variant has not been identified in the general population by the Genome Aggregation Database (gnomAD). Loss of PMS2 function is a known mechanism of disease. Based on the available evidence, this variant is classified as Pathogenic.

This study involves interpretation of variants in research participants for the purpose of population health screening. Participant phenotype was not available at the time of variant classification. Additional details can be found in publication PMID: 35346344, PMCID: PMC8962531

Color Diagnostics, LLC DBA Color Health
Classification: Pathogenic for Hereditary cancer-predisposing syndrome. Last evaluated: 2024-05-29. Review status: criteria provided, single submitter. Criteria: ACMG Guidelines, 2015. Collection method: clinical testing. Allele origin: germline. Not counted in ClinVar's aggregate classification.
Comment: This variant changes 1 nucleotide in exon 11 of the PMS2 gene, creating a premature translation stop signal. This variant is expected to result in an absent or non-functional protein product. To our knowledge, functional studies have not been reported for this variant. This variant has been reported in individuals affected with Lynch syndrome or suspected of having Lynch syndrome (PMID: 18602922, 18809606, 25856668, 25980754). This variant has also been reported in homozygous individuals affected with constitutional mismatch repair deficiency (PMID: 17993636, 25691505). Tumor data from affected individuals has demonstrated loss of PMS2 protein via immunohistochemistry or high microsatellite instability (PMID: 17993636, 18809606). This variant has not been identified in the general population by the Genome Aggregation Database (gnomAD). Loss of PMS2 function is a known mechanism of disease. Based on the available evidence, this variant is classified as Pathogenic.

NM_000535.7(PMS2):c.1840A>T (p.Lys614Ter)

Gene: PMS2 (PMS1 homolog 2, mismatch repair system component; minus strand). Cytogenetic location: 7p22.1.
Variant type: single nucleotide variant.
Coding change: c.1840A>T on transcript NM_000535.7 (MANE Select); coding-DNA position 1840, A replaced by T.
Protein change: p.Lys614Ter; replaces lysine 614 with a stop codon.
Molecular consequence: nonsense. On other transcripts: non-coding transcript variant (1).
Genome position (GRCh38, 1-based): chr7:5,986,925, T>A on the plus strand (A>T on the coding strand, the complement: PMS2 is on the minus strand). VCF-style: chr7-5986925-T-A. GRCh37 (hg19) VCF-style: chr7-6026556-T-A.
Other names: c.1435A>T, p.Lys479Ter (NM_001322003.2, NM_001322004.2, NM_001322005.2 and 1 more transcripts); c.1684A>T, p.Lys562Ter (NM_001322006.2); c.1522A>T, p.Lys508Ter (NM_001322007.2, NM_001322008.2); c.1279A>T, p.Lys427Ter (NM_001322010.2); c.907A>T, p.Lys303Ter (NM_001322011.2, NM_001322012.2); c.1267A>T, p.Lys423Ter (NM_001322013.2); c.1840A>T, p.Lys614Ter (NM_001322014.2); c.1531A>T, p.Lys511Ter (NM_001322015.2); short protein forms K614*, K427*, K479*, K508*, K562*, K303*, K423*, K511*.
Identifiers: ClinVar variation 91318 (VCV000091318.37), dbSNP rs63750490, ClinGen allele CA010345.